The following is an entry in ClinVar:

NM_024548.4(CEP97):c.1477A>G (p.Ile493Val)

Gene: CEP97 (centrosomal protein 97; plus strand). Cytogenetic location: 3q12.3.
Variant type: single nucleotide variant.
Coding change: c.1477A>G on transcript NM_024548.4 (MANE Select); coding-DNA position 1477, A replaced by G.
Protein change: p.Ile493Val; replaces isoleucine 493 with valine.
Molecular consequence: missense variant.
Genome position (GRCh38, 1-based): chr3:101,758,083, A>G. VCF-style: chr3-101758083-A-G. GRCh37 (hg19) VCF-style: chr3-101476927-A-G.
Other names: c.1300A>G, p.Ile434Val (NM_001303401.2); c.1375A>G, p.Ile459Val (NM_001410784.1); c.1198A>G, p.Ile400Val (NM_001410785.1); c.1477A>G (NM_024548.2); short protein forms I434V, I459V, I493V, I400V.
Identifiers: ClinVar variation 2995734 (VCV002995734.4), dbSNP rs552501265, ClinGen allele CA2522136.
Genomic context (GRCh38, chr3:101,758,083, plus strand): 5'-ACAGAGGTAAATGAGAAAGCTGGACTATTACCTTGTCCTGAGCCAACAATAATCAGTGCT[A>G]TCTTGAAGGATGATAACCACAGTCTTACATTTTTTCCTGAGTCAACTGAGCAGAAACAAT-3'
Protein context (NP_078824.2, residues 483-503): PCPEPTIISA[Ile493Val]LKDDNHSLTF

ClinVar aggregate classification (germline): Conflicting classifications of pathogenicity. Review status: criteria provided, conflicting classifications (1 of 4 stars). 2 submissions from 2 submitters: Uncertain significance (1); Likely benign (1). Last evaluated 2025-11-26.

Allele frequency attached by ClinVar (database versions not stated): ExAC 0.00001; gnomAD 0.00001; gnomAD exomes 0.00001; TOPMed 0.00001; 1000 Genomes Project 0.00020; 1000 Genomes Project 30x 0.00031.
gnomAD v4.1: 14 of 1,614,238 alleles (0.00087%); highest among the groups gnomAD compares: Admixed American, 0.0017%; no homozygotes.

Submissions (2):

Ambry Genetics
Classification: Likely benign. Last evaluated: 2025-11-26. Review status: criteria provided, single submitter. Criteria: Ambry Variant Classification Scheme 2023. Collection method: clinical testing. Allele origin: germline.

Labcorp Genetics (formerly Invitae), Labcorp
Classification: Uncertain significance. Last evaluated: 2024-07-08. Review status: criteria provided, single submitter. Criteria: Invitae Variant Classification Sherloc (09022015). Collection method: clinical testing. Allele origin: germline.
Comment: This sequence change replaces isoleucine, which is neutral and non-polar, with valine, which is neutral and non-polar, at codon 493 of the CEP97 protein (p.Ile493Val). This variant is present in population databases (rs552501265, gnomAD 0.003%). This variant has not been reported in the literature in individuals affected with CEP97-related conditions. Advanced modeling of protein sequence and biophysical properties (such as structural, functional, and spatial information, amino acid conservation, physicochemical variation, residue mobility, and thermodynamic stability) performed at Invitae indicates that this missense variant is not expected to disrupt CEP97 protein function with a negative predictive value of 80%. In summary, the available evidence is currently insufficient to determine the role of this variant in disease. Therefore, it has been classified as a Variant of Uncertain Significance.